The following is an entry in ClinVar:

NM_001243279.3(ACSF3):c.286G>T (p.Glu96Ter)

Gene: ACSF3 (acyl-CoA synthetase family member 3; plus strand). Cytogenetic location: 16q24.3.
Variant type: single nucleotide variant.
Coding change: c.286G>T on transcript NM_001243279.3 (MANE Select); coding-DNA position 286, G replaced by T.
Protein change: p.Glu96Ter; replaces glutamic acid 96 with a stop codon.
Molecular consequence: nonsense. On other transcripts: non-coding transcript variant (3), intron variant (1).
Genome position (GRCh38, 1-based): chr16:89,100,967, G>T. VCF-style: chr16-89100967-G-T. GRCh37 (hg19) VCF-style: chr16-89167375-G-T.
Other names: c.286G>T, p.Glu96Ter (NM_001127214.4, NM_174917.5); c.-129-1637G>T (NM_001284316.2); short protein forms E96*.
Identifiers: ClinVar variation 842479 (VCV000842479.8), dbSNP rs1975233179, ClinGen allele CA397133787.

ClinVar aggregate classification (germline): Pathogenic (1 of 4 stars; one submission).

Conditions:
Combined malonic and methylmalonic acidemia. Identifiers: Orphanet 289504, MedGen C3280314, MONDO:0013661, OMIM 614265.

Allele frequency attached by ClinVar (database versions not stated): gnomAD exomes below 0.00001.
gnomAD v4.1: 1 of 1,613,624 alleles (0.000062%); highest among the groups gnomAD compares: Non-Finnish European, 0.000085%; no homozygotes.

Submission:

Labcorp Genetics (formerly Invitae), Labcorp
Classification: Pathogenic for Combined malonic and methylmalonic acidemia. Last evaluated: 2019-12-18. Review status: criteria provided, single submitter. Criteria: Invitae Variant Classification Sherloc (09022015). Collection method: clinical testing. Allele origin: germline.
Comment: For these reasons, this variant has been classified as Pathogenic. Loss-of-function variants in ACSF3 are known to be pathogenic (PMID: 21841779, 26827111). This variant has not been reported in the literature in individuals with ACSF3-related conditions. This variant is not present in population databases (ExAC no frequency). This sequence change creates a premature translational stop signal (p.Glu96*) in the ACSF3 gene. It is expected to result in an absent or disrupted protein product.

Literature cited by the submitters: PubMed 21841779; PubMed 26827111.